The following is an entry in ClinVar:

ClinVar aggregate classification (germline): Uncertain significance (1 of 4 stars; one submission).

Conditions:
Familial thoracic aortic aneurysm and aortic dissection (TAAD). Also called: Thoracic aortic aneurysms and dissections. Identifiers: Orphanet 91387, MedGen C4707243, MONDO:0019625.

gnomAD v4.1: 3 of 1,610,414 alleles (0.00019%); highest among the groups gnomAD compares: South Asian, 0.0022%; no homozygotes.

Submission:

All of Us Research Program, National Institutes of Health
Classification: Uncertain significance for Familial thoracic aortic aneurysm and aortic dissection. Last evaluated: 2024-05-30. Review status: criteria provided, single submitter. Criteria: ACMG Guidelines, 2015. Collection method: clinical testing. Allele origin: germline. Inheritance: Autosomal dominant inheritance. Observed: 1 variant allele, 1 heterozygote.
Comment: This missense variant replaces methionine with isoleucine at codon 302 of the MYH11 protein. Computational prediction tools indicate that this variant has a neutral impact on protein structure and function. To our knowledge, functional studies have not been reported for this variant. This variant has not been reported in individuals affected with MYH11-related disorders in the literature. This variant has not been identified in the general population by the Genome Aggregation Database (gnomAD). The available evidence is insufficient to determine the role of this variant in disease conclusively. Therefore, this variant is classified as a Variant of Uncertain Significance.

This study involves interpretation of variants in research participants for the purpose of population health screening. Participant phenotype was not available at the time of variant classification. Additional details can be found in publication PMID: 35346344, PMCID: PMC8962531

NM_002474.3(MYH11):c.885G>A (p.Met295Ile)

Gene: MYH11 (myosin heavy chain 11; minus strand). Cytogenetic location: 16p13.11.
Variant type: single nucleotide variant.
Coding change: c.885G>A on transcript NM_002474.3 (MANE Select); coding-DNA position 885, G replaced by A.
Protein change: p.Met295Ile; replaces methionine 295 with isoleucine.
Molecular consequence: missense variant.
Genome position (GRCh38, 1-based): chr16:15,776,082, C>T on the plus strand (G>A on the coding strand, the complement: MYH11 is on the minus strand). VCF-style: chr16-15776082-C-T. GRCh37 (hg19) VCF-style: chr16-15869939-C-T.
Other names: c.906G>A, p.Met302Ile (NM_001040113.2, NM_001040114.2); c.885G>A, p.Met295Ile (NM_022844.3); short protein forms M295I, M302I.
Identifiers: ClinVar variation 3387252 (VCV003387252.1).